The following is an entry in ClinVar:

NM_012062.5(DNM1L):c.250+5A>G

Gene: DNM1L (dynamin 1 like; plus strand). Cytogenetic location: 12p11.21.
Variant type: single nucleotide variant.
Coding change: c.250+5A>G on transcript NM_012062.5 (MANE Select); 5 bases into the intron after coding-DNA position 250, A replaced by G.
Molecular consequence: intron variant.
Genome position (GRCh38, 1-based): chr12:32,701,567, A>G. VCF-style: chr12-32701567-A-G. GRCh37 (hg19) VCF-style: chr12-32854501-A-G.
Other names: c.250+5A>G (NM_001278464.2, NM_001278465.2, NM_001330380.2 and 3 more transcripts); c.45+5A>G (NM_001278466.2).
Identifiers: ClinVar variation 1346533 (VCV001346533.6), dbSNP rs1952702154, ClinGen allele CA2026293424.

ClinVar aggregate classification (germline): Uncertain significance (1 of 4 stars; one submission).

Allele frequency attached by ClinVar (database versions not stated): TOPMed below 0.00001.

Submission:

Labcorp Genetics (formerly Invitae), Labcorp
Classification: Uncertain significance. Last evaluated: 2024-09-25. Review status: criteria provided, single submitter. Criteria: Invitae Variant Classification Sherloc (09022015). Collection method: clinical testing. Allele origin: germline.
Comment: This sequence change falls in intron 2 of the DNM1L gene. It does not directly change the encoded amino acid sequence of the DNM1L protein. It affects a nucleotide within the consensus splice site. This variant is not present in population databases (gnomAD no frequency). This variant has not been reported in the literature in individuals affected with DNM1L-related conditions. ClinVar contains an entry for this variant (Variation ID: 1346533). Variants that disrupt the consensus splice site are a relatively common cause of aberrant splicing (PMID: 17576681, 9536098). Algorithms developed to predict the effect of sequence changes on RNA splicing suggest that this variant is not likely to affect RNA splicing. In summary, the available evidence is currently insufficient to determine the role of this variant in disease. Therefore, it has been classified as a Variant of Uncertain Significance.

Literature cited by the submitters: PubMed 17576681; PubMed 9536098.